The following is an entry in ClinVar:

NM_004813.4(PEX16):c.827G>A (p.Arg276His)

Gene: PEX16 (peroxisomal biogenesis factor 16; minus strand). Cytogenetic location: 11p11.2.
Variant type: single nucleotide variant.
Coding change: c.827G>A on transcript NM_004813.4 (MANE Select); coding-DNA position 827, G replaced by A.
Protein change: p.Arg276His; replaces arginine 276 with histidine.
Molecular consequence: missense variant.
Genome position (GRCh38, 1-based): chr11:45,913,879, C>T on the plus strand (G>A on the coding strand, the complement: PEX16 is on the minus strand). VCF-style: chr11-45913879-C-T. GRCh37 (hg19) VCF-style: chr11-45935430-C-T.
Other names: c.827G>A, p.Arg276His (NM_057174.3); short protein forms R276H.
Identifiers: ClinVar variation 1397915 (VCV001397915.3), dbSNP rs1420647698, ClinGen allele CA380226031.

ClinVar aggregate classification (germline): Uncertain significance (1 of 4 stars; one submission).

Conditions:
Peroxisome biogenesis disorder. Identifiers: Orphanet 79189, MedGen C1832200, MONDO:0019234. Disease mechanism: loss of function.

Allele frequency attached by ClinVar (database versions not stated): gnomAD exomes below 0.00001.
gnomAD v4.1: 4 of 1,612,176 alleles (0.00025%); highest among the groups gnomAD compares: Admixed American, 0.0017%; no homozygotes.

Submission:

Labcorp Genetics (formerly Invitae), Labcorp
Classification: Uncertain significance for Peroxisome biogenesis disorder. Last evaluated: 2022-06-27. Review status: criteria provided, single submitter. Criteria: Invitae Variant Classification Sherloc (09022015). Collection method: clinical testing. Allele origin: germline.
Comment: This sequence change replaces arginine, which is basic and polar, with histidine, which is basic and polar, at codon 276 of the PEX16 protein (p.Arg276His). This variant is present in population databases (no rsID available, gnomAD 0.003%). This variant has not been reported in the literature in individuals affected with PEX16-related conditions. Algorithms developed to predict the effect of missense changes on protein structure and function are either unavailable or do not agree on the potential impact of this missense change (SIFT: "Deleterious"; PolyPhen-2: "Benign"; Align-GVGD: "Class C0"). In summary, the available evidence is currently insufficient to determine the role of this variant in disease. Therefore, it has been classified as a Variant of Uncertain Significance.